The following is an entry in ClinVar:

ClinVar aggregate classification (germline): Uncertain significance (1 of 4 stars; one submission).

Conditions:
Epidermolysis bullosa simplex, Ogna type (EBS5A). Also called: Pidermolysis bullosa simplex 5A, Ogna type; EPIDERMOLYSIS BULLOSA SIMPLEX 5A, OGNA TYPE. Identifiers: Orphanet 79401, MedGen C0432317, MONDO:0007555, OMIM 131950.
Epidermolysis bullosa simplex with nail dystrophy (EBS5D). Identifiers: MedGen C4225309, MONDO:0014661, OMIM 616487.
Epidermolysis bullosa simplex 5C, with pyloric atresia (EBS5C). Also called: PLEC-Related Epidermolysis Bullosa with Pyloric Atresia; Epidermolysis bullosa simplex with pyloric atresia; PLEC1-Related Epidermolysis Bullosa with Pyloric Atresia. Identifiers: Orphanet 158684, MedGen C2677349, MONDO:0012807, OMIM 612138.
Epidermolysis bullosa simplex 5B, with muscular dystrophy (EBS5B). Also called: EPIDERMOLYSIS BULLOSA SIMPLEX AND LIMB-GIRDLE MUSCULAR DYSTROPHY; Epidermolysis bullosa simplex with muscular dystrophy. Identifiers: Orphanet 257, MedGen C2931072, MONDO:0009181, OMIM 226670.
Autosomal recessive limb-girdle muscular dystrophy type 2Q (LGMDR17). Also called: MUSCULAR DYSTROPHY, LIMB-GIRDLE, AUTOSOMAL RECESSIVE 17. Identifiers: Orphanet 254361, MedGen C3150989, MONDO:0013390, OMIM 613723.

Submission:

Labcorp Genetics (formerly Invitae), Labcorp
Classification: Uncertain significance for Autosomal recessive limb-girdle muscular dystrophy type 2Q; Epidermolysis bullosa simplex, Ogna type; Epidermolysis bullosa simplex with nail dystrophy; Epidermolysis bullosa simplex 5C, with pyloric atresia; Epidermolysis bullosa simplex 5B, with muscular dystrophy. Last evaluated: 2022-09-22. Review status: criteria provided, single submitter. Criteria: Invitae Variant Classification Sherloc (09022015). Collection method: clinical testing. Allele origin: germline.
Comment: In summary, the available evidence is currently insufficient to determine the role of this variant in disease. Therefore, it has been classified as a Variant of Uncertain Significance. Advanced modeling of protein sequence and biophysical properties (such as structural, functional, and spatial information, amino acid conservation, physicochemical variation, residue mobility, and thermodynamic stability) performed at Invitae indicates that this missense variant is not expected to disrupt PLEC protein function. This variant has not been reported in the literature in individuals affected with PLEC-related conditions. This variant is not present in population databases (gnomAD no frequency). This sequence change replaces threonine, which is neutral and polar, with serine, which is neutral and polar, at codon 4334 of the PLEC protein (p.Thr4334Ser).

NM_201384.3(PLEC):c.12919A>T (p.Thr4307Ser)

Gene: PLEC (plectin; minus strand). Cytogenetic location: 8q24.3.
Variant type: single nucleotide variant.
Coding change: c.12919A>T on transcript NM_201384.3 (MANE Select); coding-DNA position 12919, A replaced by T.
Protein change: p.Thr4307Ser; replaces threonine 4307 with serine.
Molecular consequence: missense variant.
Genome position (GRCh38, 1-based): chr8:143,916,902, T>A on the plus strand (A>T on the coding strand, the complement: PLEC is on the minus strand). VCF-style: chr8-143916902-T-A. GRCh37 (hg19) VCF-style: chr8-144991070-T-A.
Other names: c.13000A>T, p.Thr4334Ser (NM_000445.5); c.9619A>T, p.Thr3207Ser (NM_001410941.1); c.12877A>T, p.Thr4293Ser (NM_201378.4); c.12853A>T, p.Thr4285Ser (NM_201379.3); c.13330A>T, p.Thr4444Ser (NM_201380.4); c.12823A>T, p.Thr4275Ser (NM_201381.3); c.12919A>T, p.Thr4307Ser (NM_201382.4); c.12931A>T, p.Thr4311Ser (NM_201383.3); short protein forms T4275S, T4285S, T4311S, T4334S, T3207S, T4293S, T4307S, T4444S.
Identifiers: ClinVar variation 2116813 (VCV002116813.4), dbSNP rs2539178749, ClinGen allele CA372477961.